The following is an entry in ClinVar:

NM_003072.5(SMARCA4):c.56G>C (p.Gly19Ala)

Gene: SMARCA4 (SWI/SNF related BAF chromatin remodeling complex subunit ATPase 4; plus strand). Cytogenetic location: 19p13.2.
Variant type: single nucleotide variant.
Coding change: c.56G>C on transcript NM_003072.5 (MANE Select); coding-DNA position 56, G replaced by C.
Protein change: p.Gly19Ala; replaces glycine 19 with alanine.
Molecular consequence: missense variant. On other transcripts: non-coding transcript variant (1).
Genome position (GRCh38, 1-based): chr19:10,984,207, G>C. VCF-style: chr19-10984207-G-C. GRCh37 (hg19) VCF-style: chr19-11094883-G-C.
Other names: c.56G>C, p.Gly19Ala (NM_001128844.3, NM_001128845.2, NM_001128846.2 and 5 more transcripts); short protein forms G19A.
Identifiers: ClinVar variation 1415376 (VCV001415376.6), dbSNP rs1222542093, ClinGen allele CA404054013.

ClinVar aggregate classification (germline): Uncertain significance (1 of 4 stars; one submission).

Conditions:
Rhabdoid tumor predisposition syndrome 2 (RTPS2). Identifiers: Orphanet 231108, Orphanet 69077, MedGen C2750074, MONDO:0013224, OMIM 613325.

Submission:

Labcorp Genetics (formerly Invitae), Labcorp
Classification: Uncertain significance for Rhabdoid tumor predisposition syndrome 2. Last evaluated: 2021-11-15. Review status: criteria provided, single submitter. Criteria: Invitae Variant Classification Sherloc (09022015). Collection method: clinical testing. Allele origin: germline.
Comment: This variant has not been reported in the literature in individuals affected with SMARCA4-related conditions. Algorithms developed to predict the effect of missense changes on protein structure and function are either unavailable or do not agree on the potential impact of this missense change (SIFT: "Deleterious"; PolyPhen-2: "Not Available"; Align-GVGD: "Class C55"). In summary, the available evidence is currently insufficient to determine the role of this variant in disease. Therefore, it has been classified as a Variant of Uncertain Significance. This sequence change replaces glycine, which is neutral and non-polar, with alanine, which is neutral and non-polar, at codon 19 of the SMARCA4 protein (p.Gly19Ala). This variant is not present in population databases (gnomAD no frequency).